The following is an entry in ClinVar:

NM_000463.3(UGT1A1):c.238_239insGTAC (p.Pro80fs)

Genes: UGT1A6 (UDP glucuronosyltransferase family 1 member A6; plus strand), UGT1A7 (UDP glucuronosyltransferase family 1 member A7; plus strand), UGT1A4 (UDP glucuronosyltransferase family 1 member A4; plus strand), UGT1A5 (UDP glucuronosyltransferase family 1 member A5; plus strand), UGT1A1 (UDP glucuronosyltransferase family 1 member A1; plus strand) and 5 more. Cytogenetic location: 2q37.1.
Variant type: Insertion.
Coding change: c.238_239insGTAC on transcript NM_000463.3 (MANE Select); coding-DNA positions 238 to 239, GTAC inserted.
Protein change: p.Pro80fs; shifts the reading frame from proline 80.
Molecular consequence: frameshift variant. On other transcripts: intron variant (9).
Genome position: GRCh38 VCF-style: chr2-233760524-C-CCGTA. GRCh37 (hg19) VCF-style: chr2-234669170-C-CCGTA.
Other names: c.856-6509_856-6508insGTAC (NM_019076.5, NM_019075.4, NM_021027.3 and 1 more transcripts); c.61-6509_61-6508insGTAC (NM_205862.3); c.862-6509_862-6508insGTAC (NM_001072.4); c.868-6509_868-6508insGTAC (NM_019078.2, NM_007120.3, NM_019093.4); short protein forms P80fs.
Identifiers: ClinVar variation 212544 (VCV000212544.11), dbSNP rs797046090, ClinGen allele CA207537.
Genomic context (GRCh38, chr2:233,760,524, plus strand): 5'-CCTAGCACCTGACGCCTCGTTGTACATCAGAGACGGAGCATTTTACACCTTGAAGACGTA[C>CCGTA]CCTGTGCCATTCCAAAGGGAGGATGTGAAAGAGTCTTTTGTTAGTCTCGGGCATAATGTT-3'

ClinVar aggregate classification (germline): Pathogenic. Review status: criteria provided, multiple submitters, no conflicts (2 of 4 stars). 3 submissions from 3 submitters: Pathogenic (2). 1 of the submissions does not count toward it. Last evaluated 2023-06-03.

Conditions:
UGT1A1-related disorder. Also called: UGT1A1-related disorders; UGT1A1-related condition.
Hyperbilirubinemia. Identifiers: MedGen C0311468, MONDO:0024288, HP:0002904.

Submissions (3):

Labcorp Genetics (formerly Invitae), Labcorp
Classification: Pathogenic. Last evaluated: 2023-06-03. Review status: criteria provided, single submitter. Criteria: Invitae Variant Classification Sherloc (09022015). Collection method: clinical testing. Allele origin: germline.
Comment: For these reasons, this variant has been classified as Pathogenic. ClinVar contains an entry for this variant (Variation ID: 212544). This variant has not been reported in the literature in individuals affected with UGT1A1-related conditions. This variant is not present in population databases (gnomAD no frequency). This sequence change creates a premature translational stop signal (p.Pro80Argfs*16) in the UGT1A1 gene. It is expected to result in an absent or disrupted protein product. Loss-of-function variants in UGT1A1 are known to be pathogenic (PMID: 23290513).

Genetic Services Laboratory, University of Chicago
Classification: Pathogenic for Hyperbilirubinemia. Last evaluated: 2013-02-08. Review status: criteria provided, single submitter. Criteria: ACMG Guidelines, 2007. Collection method: clinical testing. Allele origin: germline. Affected: yes.

PreventionGenetics, part of Exact Sciences
Classification: Pathogenic for UGT1A1-related condition. Last evaluated: 2024-01-03. Review status: no assertion criteria provided. Collection method: clinical testing. Allele origin: germline. Not counted in ClinVar's aggregate classification.
Comment: The UGT1A1 c.238_239insGTAC variant is predicted to result in a frameshift and premature protein termination (p.Pro80Argfs*16). This variant was reported to be causative for Crigler-Najjar syndrome type I (Mitchell et al. 2018. PubMed ID: 29176474). This variant has not been reported in a large population database, indicating this variant is rare. Frameshift variants in UGT1A1 are expected to be pathogenic. This variant is interpreted as pathogenic.

Literature cited by the submitters: PubMed 23290513 (cited by Labcorp Genetics (formerly Invitae), Labcorp).